The following is an entry in ClinVar:

ClinVar aggregate classification (germline): Uncertain significance (1 of 4 stars; one submission).

Conditions:
Hereditary cancer-predisposing syndrome. Also called: Hereditary Cancer Syndrome; Hereditary neoplastic syndrome; Neoplastic Syndromes, Hereditary; Tumor predisposition. Identifiers: Orphanet 140162, MedGen C0027672, MeSH D009386, MONDO:0015356.

Allele frequency attached by ClinVar (database versions not stated): TOPMed below 0.00001.

Submission:

Ambry Genetics
Classification: Uncertain significance for Hereditary cancer-predisposing syndrome. Last evaluated: 2022-09-20. Review status: criteria provided, single submitter. Criteria: Ambry Variant Classification Scheme 2023. Collection method: clinical testing. Allele origin: germline.
Comment: The p.Y145C variant (also known as c.434A>G), located in coding exon 4 of the FANCC gene, results from an A to G substitution at nucleotide position 434. The tyrosine at codon 145 is replaced by cysteine, an amino acid with highly dissimilar properties. This amino acid position is conserved. In addition, this alteration is predicted to be tolerated by in silico analysis. Since supporting evidence is limited at this time, the clinical significance of this alteration remains unclear.

NM_000136.3(FANCC):c.434A>G (p.Tyr145Cys)

Gene: FANCC (FA complementation group C; minus strand). Cytogenetic location: 9q22.32.
Variant type: single nucleotide variant.
Coding change: c.434A>G on transcript NM_000136.3 (MANE Select); coding-DNA position 434, A replaced by G.
Protein change: p.Tyr145Cys; replaces tyrosine 145 with cysteine.
Molecular consequence: missense variant.
Genome position (GRCh38, 1-based): chr9:95,172,059, T>C on the plus strand (A>G on the coding strand, the complement: FANCC is on the minus strand). VCF-style: chr9-95172059-T-C. GRCh37 (hg19) VCF-style: chr9-97934341-T-C.
Other names: c.434A>G, p.Tyr145Cys (NM_001243743.2, NM_001243744.2); short protein forms Y145C.
Identifiers: ClinVar variation 1739910 (VCV001739910.2), dbSNP rs1825715592, ClinGen allele CA374338741.